The following is an entry in ClinVar:

NM_001303256.3(MORC2):c.1727A>C (p.Glu576Ala)

Gene: MORC2 (MORC family CW-type zinc finger 2; minus strand). Cytogenetic location: 22q12.2.
Variant type: single nucleotide variant.
Coding change: c.1727A>C on transcript NM_001303256.3 (MANE Select); coding-DNA position 1727, A replaced by C.
Protein change: p.Glu576Ala; replaces glutamic acid 576 with alanine.
Molecular consequence: missense variant.
Genome position (GRCh38, 1-based): chr22:30,936,521, T>G on the plus strand (A>C on the coding strand, the complement: MORC2 is on the minus strand). VCF-style: chr22-30936521-T-G. GRCh37 (hg19) VCF-style: chr22-31332508-T-G.
Other names: c.1727A>C, p.Glu576Ala (NM_001303257.2); c.1541A>C, p.Glu514Ala (NM_014941.3); short protein forms E514A, E576A.
Identifiers: ClinVar variation 1052831 (VCV001052831.7), dbSNP rs2147252673, ClinGen allele CA411237082.
Genomic context (GRCh38, chr22:30,936,521, plus strand): 5'-GCAGAGCCCTGACACAGGCTGGCTTTGCCCACTGACCATGACCCACGTACCTGAAGGGCC[T>G]CCAGCTTCTCCTGCTGCTGGCGAATTTTCTCTGTCAGTTGTTTCTGCTTCTCTTCCTGCG-3'
Protein context (NP_001290185.1, residues 566-586): EKIRQQQEKL[Glu576Ala]ALQKTTPIRS

ClinVar aggregate classification (germline): Uncertain significance (1 of 4 stars; one submission).

Conditions:
Charcot-Marie-Tooth disease axonal type 2Z. Also called: CHARCOT-MARIE-TOOTH DISEASE, AXONAL, AUTOSOMAL DOMINANT, TYPE 2Z; CHARCOT-MARIE-TOOTH NEUROPATHY, TYPE 2Z. Identifiers: Orphanet 466768, MedGen C5569025, MONDO:0014736, OMIM 616688.

Allele frequency attached by ClinVar (database versions not stated): gnomAD exomes below 0.00001.
gnomAD v4.1: 2 of 1,614,188 alleles (0.00012%); highest among the groups gnomAD compares: South Asian, 0.0022%; no homozygotes.

Submission:

Labcorp Genetics (formerly Invitae), Labcorp
Classification: Uncertain significance for Charcot-Marie-Tooth disease axonal type 2Z. Last evaluated: 2020-06-27. Review status: criteria provided, single submitter. Criteria: Invitae Variant Classification Sherloc (09022015). Collection method: clinical testing. Allele origin: germline.
Comment: This variant is not present in population databases (ExAC no frequency). In summary, the available evidence is currently insufficient to determine the role of this variant in disease. Therefore, it has been classified as a Variant of Uncertain Significance. Algorithms developed to predict the effect of missense changes on protein structure and function are either unavailable or do not agree on the potential impact of this missense change (SIFT: "Not Available"; PolyPhen-2: "Possibly Damaging"; Align-GVGD: "Not Available"). This variant has not been reported in the literature in individuals with MORC2-related conditions. This sequence change replaces glutamic acid with alanine at codon 576 of the MORC2 protein (p.Glu576Ala). The glutamic acid residue is moderately conserved and there is a moderate physicochemical difference between glutamic acid and alanine.